The following is an entry in ClinVar:

NM_003660.4(PPFIA3):c.1638G>T (p.Trp546Cys)

Gene: PPFIA3 (PTPRF interacting protein alpha 3; plus strand). Cytogenetic location: 19q13.33.
Variant type: single nucleotide variant.
Coding change: c.1638G>T on transcript NM_003660.4 (MANE Select); coding-DNA position 1638, G replaced by T.
Protein change: p.Trp546Cys; replaces tryptophan 546 with cysteine.
Molecular consequence: missense variant. On other transcripts: non-coding transcript variant (1).
Genome position (GRCh38, 1-based): chr19:49,135,896, G>T. VCF-style: chr19-49135896-G-T. GRCh37 (hg19) VCF-style: chr19-49639153-G-T.
Other names: short protein forms W546C.
Identifiers: ClinVar variation 2430187 (VCV002430187.1), dbSNP rs2513971056, ClinGen allele CA406806406.

ClinVar aggregate classification (germline): Likely pathogenic (1 of 4 stars; one submission).

Submission:

GeneDx
Classification: Likely pathogenic. Last evaluated: 2023-02-17. Review status: criteria provided, single submitter. Criteria: GeneDx Variant Classification Process June 2021. Collection method: clinical testing. Allele origin: germline. Affected: yes.
Comment: In silico analysis supports that this missense variant has a deleterious effect on protein structure/function; Not observed at significant frequency in large population cohorts (gnomAD)